The following is an entry in ClinVar:

NM_002582.4(PARN):c.919-1794G>A

Gene: PARN (poly(A)-specific ribonuclease; minus strand). Cytogenetic location: 16p13.12.
Variant type: single nucleotide variant.
Coding change: c.919-1794G>A on transcript NM_002582.4 (MANE Select); 1794 bases into the intron before coding-DNA position 919, G replaced by A.
Molecular consequence: intron variant.
Genome position (GRCh38, 1-based): chr16:14,588,155, C>T on the plus strand (G>A on the coding strand, the complement: PARN is on the minus strand). VCF-style: chr16-14588155-C-T. GRCh37 (hg19) VCF-style: chr16-14682012-C-T.
Other names: c.736-1794G>A (NM_001134477.3); c.781-1794G>A (NM_001242992.2).
Identifiers: ClinVar variation 4534789 (VCV004534789.6).
Genomic context (GRCh38, chr16:14,588,155, plus strand): 5'-CACCTCTTGGGCAAGGTAGCAGGCAATAAAAACTTCATGGAGAAGGCAAAAGCTGCACCG[C>T]GGAAAGTTAAGGGAAAGCTGTGAACAACAAACATTGAGAACAACAAGAGAAAATTCAAGT-3'

ClinVar aggregate classification (germline): Likely benign (1 of 4 stars; one submission).

gnomAD v4.1: 3 of 152,046 alleles (0.002%); highest among the groups gnomAD compares: African/African-American, 0.0048%; no homozygotes.

Submission:

CeGaT Center for Human Genetics Tuebingen
Classification: Likely benign. Last evaluated: 2025-11-01. Review status: criteria provided, single submitter. Criteria: CeGaT Center For Human Genetics Tuebingen Variant Classification Criteria Version 2. Collection method: clinical testing. Allele origin: germline. Affected: yes. Observed: 1 variant allele.
Comment: PARN: BP4, BP7